The following is an entry in ClinVar:

ClinVar aggregate classification (germline): Likely benign (1 of 4 stars; one submission).

gnomAD v4.1: 603 of 1,042,880 alleles (0.058%); highest among the groups gnomAD compares: South Asian, 0.084%; 212 homozygotes.

Submission:

CeGaT Center for Human Genetics Tuebingen
Classification: Likely benign. Last evaluated: 2024-09-01. Review status: criteria provided, single submitter. Criteria: CeGaT Center For Human Genetics Tuebingen Variant Classification Criteria Version 2. Collection method: clinical testing. Allele origin: germline. Affected: yes. Observed: 1 variant allele.
Comment: AHNAK2: BP4, BS2

NM_138420.4(AHNAK2):c.4174T>G (p.Leu1392Val)

Gene: AHNAK2 (AHNAK nucleoprotein 2; minus strand). Cytogenetic location: 14q32.33.
Variant type: single nucleotide variant.
Coding change: c.4174T>G on transcript NM_138420.4 (MANE Select); coding-DNA position 4174, T replaced by G.
Protein change: p.Leu1392Val; replaces leucine 1392 with valine.
Molecular consequence: missense variant.
Genome position (GRCh38, 1-based): chr14:104,951,277, A>C on the plus strand (T>G on the coding strand, the complement: AHNAK2 is on the minus strand). VCF-style: chr14-104951277-A-C. GRCh37 (hg19) VCF-style: chr14-105417614-A-C.
Other names: c.3874T>G, p.Leu1292Val (NM_001350929.2); short protein forms L1292V, L1392V.
Identifiers: ClinVar variation 3388397 (VCV003388397.14).
Genomic context (GRCh38, chr14:104,951,277, plus strand): 5'-GCAGGTGCCCTTTGAGGCCGGCTCCCTCGGGCACGGGGCCCTCTGGGAGTTTCACGTCCA[A>C]TTGGCCAGCCTGGAGCTCCAGGTCAGTGGAAGGGGGCTGAATGCTGAGGTCAGTGGTCTT-3'
Protein context (NP_612429.2, residues 1382-1402): STDLELQAGQ[Leu1392Val]DVKLPEGPVP